The following is an entry in ClinVar:

NM_021930.6(RINT1):c.1780G>A (p.Asp594Asn)

Gene: RINT1 (RAD50 interactor 1; plus strand). Cytogenetic location: 7q22.3.
Variant type: single nucleotide variant.
Coding change: c.1780G>A on transcript NM_021930.6 (MANE Select); coding-DNA position 1780, G replaced by A.
Protein change: p.Asp594Asn; replaces aspartic acid 594 with asparagine.
Molecular consequence: missense variant. On other transcripts: non-coding transcript variant (1).
Genome position (GRCh38, 1-based): chr7:105,563,841, G>A. VCF-style: chr7-105563841-G-A. GRCh37 (hg19) VCF-style: chr7-105204288-G-A.
Other names: c.1546G>A, p.Asp516Asn (NM_001346599.2); c.757G>A, p.Asp253Asn (NM_001346600.2, NM_001346603.2); c.856G>A, p.Asp286Asn (NM_001346601.2); short protein forms D594N, D286N, D253N, D516N.
Identifiers: ClinVar variation 3433558 (VCV003433558.1).

ClinVar aggregate classification (germline): Uncertain significance (1 of 4 stars; one submission).

Submission:

Ambry Genetics
Classification: Uncertain significance. Last evaluated: 2024-11-30. Review status: criteria provided, single submitter. Criteria: Ambry Variant Classification Scheme 2023. Collection method: clinical testing. Allele origin: germline.
Comment: The p.D594N variant (also known as c.1780G>A), located in coding exon 12 of the RINT1 gene, results from a G to A substitution at nucleotide position 1780. The aspartic acid at codon 594 is replaced by asparagine, an amino acid with highly similar properties. This amino acid position is conserved. In addition, this alteration is predicted to be tolerated by in silico analysis. Based on the available evidence, the clinical significance of this variant remains unclear.